The following is an entry in ClinVar:

NM_014991.6(WDFY3):c.8396A>G (p.Tyr2799Cys)

Gene: WDFY3 (WD repeat and FYVE domain containing 3; minus strand). Cytogenetic location: 4q21.23.
Variant type: single nucleotide variant.
Coding change: c.8396A>G on transcript NM_014991.6 (MANE Select); coding-DNA position 8396, A replaced by G.
Protein change: p.Tyr2799Cys; replaces tyrosine 2799 with cysteine.
Molecular consequence: missense variant.
Genome position (GRCh38, 1-based): chr4:84,704,384, T>C on the plus strand (A>G on the coding strand, the complement: WDFY3 is on the minus strand). VCF-style: chr4-84704384-T-C. GRCh37 (hg19) VCF-style: chr4-85625537-T-C.
Other names: short protein forms Y2799C.
Identifiers: ClinVar variation 1804160 (VCV001804160.3), dbSNP rs2531143255, ClinGen allele CA357539600.

ClinVar aggregate classification (germline): Uncertain significance (1 of 4 stars; one submission).

Conditions:
Microcephaly 18, primary, autosomal dominant (MCPH18). Identifiers: MedGen C4479608, MONDO:0054593, OMIM 617520.

gnomAD v4.1: 1 of 1,613,288 alleles (0.000062%); highest among the groups gnomAD compares: Non-Finnish European, 0.000085%; no homozygotes.

Submission:

Institute of Human Genetics, University of Leipzig Medical Center
Classification: Uncertain significance for Microcephaly 18, primary, autosomal dominant. Last evaluated: 2022-12-08. Review status: criteria provided, single submitter. Criteria: ACMG Guidelines, 2015. Collection method: clinical testing. Allele origin: maternal. Inheritance: Autosomal dominant inheritance. Affected: yes.
Comment: Criteria applied: PM1,PM2_SUP,PP3